The following is an entry in ClinVar:

NM_021076.4(NEFH):c.1597C>T (p.Pro533Ser)

Gene: NEFH (neurofilament heavy chain; plus strand). Cytogenetic location: 22q12.2.
Variant type: single nucleotide variant.
Coding change: c.1597C>T on transcript NM_021076.4 (MANE Select); coding-DNA position 1597, C replaced by T.
Protein change: p.Pro533Ser; replaces proline 533 with serine.
Molecular consequence: missense variant.
Genome position (GRCh38, 1-based): chr22:29,489,237, C>T. VCF-style: chr22-29489237-C-T. GRCh37 (hg19) VCF-style: chr22-29885226-C-T.
Other names: short protein forms P533S.
Identifiers: ClinVar variation 3620257 (VCV003620257.2).

ClinVar aggregate classification (germline): Uncertain significance (1 of 4 stars; one submission).

Submission:

Labcorp Genetics (formerly Invitae), Labcorp
Classification: Uncertain significance. Last evaluated: 2025-11-02. Review status: criteria provided, single submitter. Criteria: Invitae Variant Classification Sherloc (09022015). Collection method: clinical testing. Allele origin: germline.
Comment: This sequence change replaces proline, which is neutral and non-polar, with serine, which is neutral and polar, at codon 533 of the NEFH protein (p.Pro533Ser). This variant is present in population databases (rs780673877, gnomAD 0.007%). This variant has not been reported in the literature in individuals affected with NEFH-related conditions. ClinVar contains an entry for this variant (Variation ID: 3620257). Invitae Evidence Modeling of protein sequence and biophysical properties (such as structural, functional, and spatial information, amino acid conservation, physicochemical variation, residue mobility, and thermodynamic stability) indicates that this missense variant is not expected to disrupt NEFH protein function with a negative predictive value of 95%. In summary, the available evidence is currently insufficient to determine the role of this variant in disease. Therefore, it has been classified as a Variant of Uncertain Significance.